The following is an entry in ClinVar:

ClinVar aggregate classification (germline): Uncertain significance (1 of 4 stars; one submission).

Conditions:
Leber congenital amaurosis 8 (LCA8). Identifiers: Orphanet 65, MedGen C3151202, MONDO:0013453, OMIM 613835.
Retinitis pigmentosa 12 (RP12). Also called: RP WITH OR WITHOUT PPRPE; RP WITH OR WITHOUT PRESERVED PARAARTERIOLE RETINAL PIGMENT EPITHELIUM; RETINITIS PIGMENTOSA WITH OR WITHOUT PARAARTERIOLAR PRESERVATION OF RETINAL PIGMENT EPITHELIUM. Identifiers: Orphanet 791, MedGen C1838647, MONDO:0010818, OMIM 600105.

Submission:

Labcorp Genetics (formerly Invitae), Labcorp
Classification: Uncertain significance for Leber congenital amaurosis 8; Retinitis pigmentosa 12. Last evaluated: 2022-02-04. Review status: criteria provided, single submitter. Criteria: Invitae Variant Classification Sherloc (09022015). Collection method: clinical testing. Allele origin: germline.
Comment: In summary, the available evidence is currently insufficient to determine the role of this variant in disease. Therefore, it has been classified as a Variant of Uncertain Significance. Algorithms developed to predict the effect of sequence changes on RNA splicing suggest that this variant may create or strengthen a splice site. Algorithms developed to predict the effect of missense changes on protein structure and function are either unavailable or do not agree on the potential impact of this missense change (SIFT: "Not Available"; PolyPhen-2: "Probably Damaging"; Align-GVGD: "Not Available"). This variant has not been reported in the literature in individuals affected with CRB1-related conditions. Information on the frequency of this variant in the gnomAD database is not available, as this variant may be reported differently in the database. This variant, c.2651_2652delinsAT, is a complex sequence change that results in the deletion of 1 and insertion of 1 amino acid(s) in the CRB1 protein (p.Gly884Asp).

NM_201253.3(CRB1):c.2651_2652delinsAT (p.Gly884Asp)

Gene: CRB1 (crumbs cell polarity complex component 1; plus strand). Cytogenetic location: 1q31.3.
Variant type: Indel.
Coding change: c.2651_2652delinsAT on transcript NM_201253.3 (MANE Select); coding-DNA positions 2651 to 2652, GC replaced by AT.
Protein change: p.Gly884Asp; replaces glycine 884 with aspartic acid.
Molecular consequence: missense variant. On other transcripts: non-coding transcript variant (2), intron variant (1).
Genome position (GRCh38, 1-based): chr1:197,427,976-197,427,977, GC replaced by AT. VCF-style: chr1-197427976-GC-AT. GRCh37 (hg19) VCF-style: chr1-197397106-GC-AT.
Other names: c.2315_2316delinsAT, p.Gly772Asp (NM_001193640.2); c.2444_2445delinsAT, p.Gly815Asp (NM_001257965.2); c.2128+6020_2128+6021delinsAT (NM_001257966.2); short protein forms G815D, G884D, G772D.
Identifiers: ClinVar variation 1345570 (VCV001345570.8), dbSNP rs2125485510, ClinGen allele CA2573131449.
Genomic context (GRCh38, chr1:197,427,976, plus strand): 5'-TCTTTCCAAATCCAACAAACAATGCATCTCTCAATCCAGTTCTTGTCAATGTAACCCAAG[GC>AT]TGTGCTGGAGACAACAGCTGCAAGGTAATGATTACTCATACAAACTAGGTATATACTGTA-3'
Protein context (NP_957705.1, residues 874-894): LNPVLVNVTQ[Gly884Asp]CAGDNSCKSN